The following is an entry in ClinVar:

ClinVar aggregate classification (germline): Uncertain significance. Review status: criteria provided, multiple submitters, no conflicts (2 of 4 stars). 2 submissions from 2 submitters: Uncertain significance (2). Last evaluated 2025-07-09.

Conditions:
Familial cancer of breast. Also called: BREAST CANCER, FAMILIAL; Hereditary breast cancer; hereditary breast carcinoma. Identifiers: Orphanet 227535, MedGen C0346153, MONDO:0016419, OMIM 114480. Disease mechanism: loss of function.
Hereditary cancer-predisposing syndrome. Also called: Neoplastic Syndromes, Hereditary; Tumor predisposition; Hereditary neoplastic syndrome; Hereditary Cancer Syndrome. Identifiers: Orphanet 140162, MedGen C0027672, MeSH D009386, MONDO:0015356.

Allele frequency attached by ClinVar (database versions not stated): gnomAD exomes below 0.00001; TOPMed below 0.00001; gnomAD 0.00001.
gnomAD v4.1: 2 of 1,613,938 alleles (0.00012%); highest among the groups gnomAD compares: Non-Finnish European, 0.000085%; no homozygotes.

Submissions (2):

Labcorp Genetics (formerly Invitae), Labcorp
Classification: Uncertain significance for Familial cancer of breast. Last evaluated: 2025-07-09. Review status: criteria provided, single submitter. Criteria: Invitae Variant Classification Sherloc (09022015). Collection method: clinical testing. Allele origin: germline.
Comment: This sequence change replaces proline, which is neutral and non-polar, with arginine, which is basic and polar, at codon 331 of the BARD1 protein (p.Pro331Arg). This variant is not present in population databases (gnomAD no frequency). This variant has not been reported in the literature in individuals affected with BARD1-related conditions. ClinVar contains an entry for this variant (Variation ID: 823562). An algorithm developed to predict the effect of missense changes on protein structure and function (PolyPhen-2) suggests that this variant is likely to be disruptive. In summary, the available evidence is currently insufficient to determine the role of this variant in disease. Therefore, it has been classified as a Variant of Uncertain Significance.

Ambry Genetics
Classification: Uncertain significance for Hereditary cancer-predisposing syndrome. Last evaluated: 2024-11-16. Review status: criteria provided, single submitter. Criteria: Ambry Variant Classification Scheme 2023. Collection method: clinical testing. Allele origin: germline.
Comment: The p.P331R variant (also known as c.992C>G), located in coding exon 4 of the BARD1 gene, results from a C to G substitution at nucleotide position 992. The proline at codon 331 is replaced by arginine, an amino acid with dissimilar properties. This amino acid position is not well conserved in available vertebrate species. In addition, this alteration is predicted to be tolerated by in silico analysis. Since supporting evidence is limited at this time, the clinical significance of this alteration remains unclear.

NM_000465.4(BARD1):c.992C>G (p.Pro331Arg)

Gene: BARD1 (BRCA1 associated RING domain 1; minus strand). Cytogenetic location: 2q35.
Variant type: single nucleotide variant.
Coding change: c.992C>G on transcript NM_000465.4 (MANE Select); coding-DNA position 992, C replaced by G.
Protein change: p.Pro331Arg; replaces proline 331 with arginine.
Molecular consequence: missense variant. On other transcripts: non-coding transcript variant (2), intron variant (3).
Genome position (GRCh38, 1-based): chr2:214,780,882, G>C on the plus strand (C>G on the coding strand, the complement: BARD1 is on the minus strand). VCF-style: chr2-214780882-G-C. GRCh37 (hg19) VCF-style: chr2-215645606-G-C.
Other names: c.935C>G, p.Pro312Arg (NM_001282543.2); c.159-28327C>G (NM_001282548.2); c.215+16179C>G (NM_001282545.2); c.364+11415C>G (NM_001282549.2); short protein forms P331R, P312R.
Identifiers: ClinVar variation 823562 (VCV000823562.11), dbSNP rs1422030098, ClinGen allele CA350454469.